The following is an entry in ClinVar:

ClinVar aggregate classification (germline): Uncertain significance. Review status: criteria provided, multiple submitters, no conflicts (2 of 4 stars). 4 submissions from 4 submitters: Uncertain significance (4). Last evaluated 2025-12-15.

Conditions:
Emery-Dreifuss muscular dystrophy 5, autosomal dominant (EDMD5). Also called: EMERY-DREIFUSS MUSCULAR DYSTROPHY 5. Identifiers: Orphanet 261, MedGen C2751805, MONDO:0013072, OMIM 612999.

Allele frequency attached by ClinVar (database versions not stated): gnomAD exomes 0.00004 and 0.00011; gnomAD 0.00009 and 0.00008; ExAC 0.00003; TOPMed 0.00005.
gnomAD v4.1: 161 of 1,613,326 alleles (0.01%); highest among the groups gnomAD compares: Non-Finnish European, 0.013%; no homozygotes.

Submissions (4):

Ambry Genetics
Classification: Uncertain significance. Last evaluated: 2025-12-15. Review status: criteria provided, single submitter. Criteria: Ambry Variant Classification Scheme 2023. Collection method: clinical testing. Allele origin: germline.

Labcorp Genetics (formerly Invitae), Labcorp
Classification: Uncertain significance for Emery-Dreifuss muscular dystrophy 5, autosomal dominant. Last evaluated: 2025-12-13. Review status: criteria provided, single submitter. Criteria: Invitae Variant Classification Sherloc (09022015). Collection method: clinical testing. Allele origin: germline.
Comment: This sequence change replaces asparagine, which is neutral and polar, with serine, which is neutral and polar, at codon 4990 of the SYNE2 protein (p.Asn4990Ser). This variant is present in population databases (rs577518631, gnomAD 0.01%). This variant has not been reported in the literature in individuals affected with SYNE2-related conditions. ClinVar contains an entry for this variant (Variation ID: 283271). An algorithm developed to predict the effect of missense changes on protein structure and function outputs the following: PolyPhen-2: "Benign". The serine amino acid residue is found in multiple mammalian species, which suggests that this missense change does not adversely affect protein function. In summary, the available evidence is currently insufficient to determine the role of this variant in disease. Therefore, it has been classified as a Variant of Uncertain Significance.

Revvity Omics, Revvity
Classification: Uncertain significance for Emery-Dreifuss muscular dystrophy 5, autosomal dominant. Last evaluated: 2019-05-09. Review status: criteria provided, single submitter. Criteria: ACMG Guidelines, 2015. Collection method: clinical testing. Allele origin: germline.

Eurofins Ntd Llc (ga)
Classification: Uncertain significance. Last evaluated: 2015-09-09. Review status: criteria provided, single submitter. Criteria: EGL Classification Definitions 2015. Collection method: clinical testing. Allele origin: germline. Observed: 1 variant allele, 1 heterozygote.

NM_182914.3(SYNE2):c.14969A>G (p.Asn4990Ser)

Gene: SYNE2 (spectrin repeat containing nuclear envelope protein 2; plus strand). Cytogenetic location: 14q23.2.
Variant type: single nucleotide variant.
Coding change: c.14969A>G on transcript NM_182914.3 (MANE Select); coding-DNA position 14969, A replaced by G.
Protein change: p.Asn4990Ser; replaces asparagine 4990 with serine.
Molecular consequence: missense variant.
Genome position (GRCh38, 1-based): chr14:64,140,066, A>G. VCF-style: chr14-64140066-A-G. GRCh37 (hg19) VCF-style: chr14-64606784-A-G.
Other names: c.14969A>G, p.Asn4990Ser (NM_015180.6); short protein forms N4990S.
Identifiers: ClinVar variation 283271 (VCV000283271.18), dbSNP rs577518631, ClinGen allele CA7222925.